The following is an entry in ClinVar:

NM_173598.6(KSR2):c.1716G>A (p.Gln572=)

Gene: KSR2 (kinase suppressor of ras 2; minus strand). Cytogenetic location: 12q24.22.
Variant type: single nucleotide variant.
Coding change: c.1716G>A on transcript NM_173598.6 (MANE Select); coding-DNA position 1716, G replaced by A.
Protein change: p.Gln572=; no amino-acid change (glutamine 572 retained).
Molecular consequence: synonymous variant.
Genome position (GRCh38, 1-based): chr12:117,531,679, C>T on the plus strand (G>A on the coding strand, the complement: KSR2 is on the minus strand). VCF-style: chr12-117531679-C-T. GRCh37 (hg19) VCF-style: chr12-117969484-C-T.
Identifiers: ClinVar variation 4977552 (VCV004977552.1).

ClinVar aggregate classification (germline): Likely benign (1 of 4 stars; one submission).

Conditions:
KSR2-related disorder. Also called: KSR2-related condition.

gnomAD v4.1: 4 of 1,603,816 alleles (0.00025%); highest among the groups gnomAD compares: Non-Finnish European, 0.00034%; no homozygotes.

Submission:

PreventionGenetics, part of Exact Sciences
Classification: Likely benign for KSR2-related condition. Last evaluated: 2024-11-02. Review status: criteria provided, single submitter. Criteria: ACMG Guidelines, 2015. Collection method: clinical testing. Allele origin: germline.
Comment: This variant is classified as likely benign based on ACMG/AMP sequence variant interpretation guidelines (Richards et al. 2015 PMID: 25741868, with internal and published modifications).